The following is an entry in ClinVar:

ClinVar aggregate classification (germline): Uncertain significance (1 of 4 stars; one submission).

Conditions:
Inborn genetic diseases. Identifiers: MedGen C0950123, MeSH D030342.

Submission:

Ambry Genetics
Classification: Uncertain significance for Inborn genetic diseases. Last evaluated: 2022-07-27. Review status: criteria provided, single submitter. Criteria: Ambry Variant Classification Scheme 2023. Collection method: clinical testing. Allele origin: germline.
Comment: The p.A2253S variant (also known as c.6757G>T), located in coding exon 40 of the ATR gene, results from a G to T substitution at nucleotide position 6757. The alanine at codon 2253 is replaced by serine, an amino acid with similar properties. This amino acid position is conserved. In addition, this alteration is predicted to be tolerated by in silico analysis. Since supporting evidence is limited at this time, the clinical significance of this alteration remains unclear.

NM_001184.4(ATR):c.6757G>T (p.Ala2253Ser)

Gene: ATR (ATR checkpoint kinase; minus strand). Cytogenetic location: 3q23.
Variant type: single nucleotide variant.
Coding change: c.6757G>T on transcript NM_001184.4 (MANE Select); coding-DNA position 6757, G replaced by T.
Protein change: p.Ala2253Ser; replaces alanine 2253 with serine.
Molecular consequence: missense variant.
Genome position (GRCh38, 1-based): chr3:142,466,464, C>A on the plus strand (G>T on the coding strand, the complement: ATR is on the minus strand). VCF-style: chr3-142466464-C-A. GRCh37 (hg19) VCF-style: chr3-142185306-C-A.
Other names: c.6565G>T, p.Ala2189Ser (NM_001354579.2); short protein forms A2189S, A2253S.
Identifiers: ClinVar variation 1755260 (VCV001755260.2), dbSNP rs2071133797, ClinGen allele CA354801913.